The following is an entry in ClinVar:

NM_020365.5(EIF2B3):c.149-4A>G

Gene: EIF2B3 (eukaryotic translation initiation factor 2B subunit gamma; minus strand). Cytogenetic location: 1p34.1.
Variant type: single nucleotide variant.
Coding change: c.149-4A>G on transcript NM_020365.5 (MANE Select); 4 bases into the intron before coding-DNA position 149, A replaced by G.
Molecular consequence: intron variant.
Genome position (GRCh38, 1-based): chr1:44,978,464, T>C on the plus strand (A>G on the coding strand, the complement: EIF2B3 is on the minus strand). VCF-style: chr1-44978464-T-C. GRCh37 (hg19) VCF-style: chr1-45444136-T-C.
Other names: p.?; c.149-4A>G (NM_001261418.2, NM_001166588.3).
Identifiers: ClinVar variation 95946 (VCV000095946.27), dbSNP rs72887005, ClinGen allele CA149069.

ClinVar aggregate classification (germline): Benign/Likely benign. Review status: criteria provided, multiple submitters, no conflicts (2 of 4 stars). 8 submissions from 8 submitters: Benign (6); Likely benign (1). 1 of the submissions does not count toward it. Last evaluated 2026-02-04.

Conditions:
EIF2B3-related disorder. Also called: EIF2B3-related condition.
Vanishing white matter disease. Also called: Childhood ataxia with diffuse central nervous system hypomyelination; Leukoencephalopathy with vanishing white matter; CACH/VWM syndrome; Cree leukoencehalopathy; CACH syndrome. Identifiers: Orphanet 135, Orphanet 99853, MedGen C1858991, MONDO:0800448.

Allele frequency attached by ClinVar (database versions not stated): 1000 Genomes Project 30x 0.07230; ExAC 0.02044; 1000 Genomes Project 0.06829; gnomAD 0.06955 and 0.06435; TOPMed 0.07243; ESP Exome Variant Server 0.07489; gnomAD exomes 0.00618 and 0.01625.
gnomAD v4.1: 19,230 of 1,612,146 alleles (1.2%); highest among the groups gnomAD compares: African/African-American, 23%; 2,037 homozygotes.

Submissions (20):

Labcorp Genetics (formerly Invitae), Labcorp
Classification: Benign. Last evaluated: 2026-02-04. Review status: criteria provided, single submitter. Criteria: Invitae Variant Classification Sherloc (09022015). Collection method: clinical testing. Allele origin: germline.

Athena Diagnostics
Classification: Benign. Last evaluated: 2025-07-21. Review status: criteria provided, single submitter. Criteria: Athena Diagnostics Criteria. Collection method: clinical testing. Allele origin: unknown.
Comment: The frequency of this variant in the general population is higher than would generally be expected for pathogenic variants in this gene.

Mayo Clinic Laboratories, Mayo Clinic
Classification: Benign. Last evaluated: 2022-03-23. Review status: criteria provided, single submitter. Criteria: ACMG Guidelines, 2015. Collection method: clinical testing. Allele origin: germline. Observed: 15 variant alleles.

GeneDx
Classification: Benign. Last evaluated: 2021-05-05. Review status: criteria provided, single submitter. Criteria: GeneDx Variant Classification Process June 2021. Collection method: clinical testing. Allele origin: germline. Affected: yes.

Illumina Laboratory Services, Illumina
Classification: Benign for Leukoencephalopathy with vanishing white matter 1. Last evaluated: 2018-01-13. Review status: criteria provided, single submitter. Criteria: ICSL Variant Classification Criteria 13 December 2019. Collection method: clinical testing. Allele origin: germline.
Comment: This variant was observed in the ICSL laboratory as part of a predisposition screen in an ostensibly healthy population. It had not been previously curated by ICSL or reported in the Human Gene Mutation Database (HGMD: prior to June 1st, 2018), and was therefore a candidate for classification through an automated scoring system. Utilizing variant allele frequency, disease prevalence and penetrance estimates, and inheritance mode, an automated score was calculated to assess if this variant is too frequent to cause the disease. Based on the score and internal cut-off values, a variant classified as benign is not then subjected to further curation. The score for this variant resulted in a classification of benign for this disease.

Eurofins Ntd Llc (ga)
Classification: Benign. Last evaluated: 2012-09-25. Review status: criteria provided, single submitter. Criteria: EGL Classification Definitions 2015. Collection method: clinical testing. Allele origin: germline. Observed: 2 variant alleles, 2 heterozygotes.

Breakthrough Genomics
Classification: Likely benign. Review status: criteria provided, single submitter. Criteria: ACMG Guidelines, 2015. Collection method: not provided. Allele origin: germline. Inheritance: Autosomal recessive inheritance. Affected: yes.

PreventionGenetics, part of Exact Sciences
Classification: Benign for EIF2B3-related condition. Last evaluated: 2019-12-11. Review status: no assertion criteria provided. Collection method: clinical testing. Allele origin: germline. Not counted in ClinVar's aggregate classification.
Comment: This variant is classified as benign based on ACMG/AMP sequence variant interpretation guidelines (Richards et al. 2015 PMID: 25741868, with internal and published modifications).

Dr. Peter K. Rogan Lab, Western University
No classification provided (evidence only). Condition: Acute myeloid leukemia. Review status: no classification provided. Collection method: in vitro. Allele origin: not applicable. Functional consequence: retained intron. Not counted in ClinVar's aggregate classification.

Dr. Peter K. Rogan Lab, Western University
No classification provided (evidence only). Condition: Acute myeloid leukemia. Review status: no classification provided. Collection method: in vitro. Allele origin: not applicable. Functional consequence: retained intron. Not counted in ClinVar's aggregate classification.

Dr. Peter K. Rogan Lab, Western University
No classification provided (evidence only). Condition: Colon adenocarcinoma. Review status: no classification provided. Collection method: in vitro. Allele origin: not applicable. Functional consequence: retained intron. Not counted in ClinVar's aggregate classification.

Dr. Peter K. Rogan Lab, Western University
No classification provided (evidence only). Condition: Cervical cancer. Review status: no classification provided. Collection method: in vitro. Allele origin: not applicable. Functional consequence: retained intron. Not counted in ClinVar's aggregate classification.

Dr. Peter K. Rogan Lab, Western University
No classification provided (evidence only). Condition: Sarcoma. Review status: no classification provided. Collection method: in vitro. Allele origin: not applicable. Functional consequence: retained intron. Not counted in ClinVar's aggregate classification.

Dr. Peter K. Rogan Lab, Western University
No classification provided (evidence only). Condition: Cholangiocarcinoma. Review status: no classification provided. Collection method: in vitro. Allele origin: not applicable. Functional consequence: retained intron. Not counted in ClinVar's aggregate classification.

Dr. Peter K. Rogan Lab, Western University
No classification provided (evidence only). Condition: Gastric cancer. Review status: no classification provided. Collection method: in vitro. Allele origin: not applicable. Functional consequence: retained intron. Not counted in ClinVar's aggregate classification.

Dr. Peter K. Rogan Lab, Western University
No classification provided (evidence only). Condition: Gastric cancer. Review status: no classification provided. Collection method: in vitro. Allele origin: not applicable. Functional consequence: retained intron. Not counted in ClinVar's aggregate classification.

Dr. Peter K. Rogan Lab, Western University
No classification provided (evidence only). Condition: Uterine carcinosarcoma. Review status: no classification provided. Collection method: in vitro. Allele origin: not applicable. Functional consequence: retained intron. Not counted in ClinVar's aggregate classification.

Dr. Peter K. Rogan Lab, Western University
No classification provided (evidence only). Condition: Clear cell carcinoma of kidney. Review status: no classification provided. Collection method: in vitro. Allele origin: not applicable. Functional consequence: retained intron. Not counted in ClinVar's aggregate classification.

Dr. Peter K. Rogan Lab, Western University
No classification provided (evidence only). Condition: Lung cancer. Review status: no classification provided. Collection method: in vitro. Allele origin: not applicable. Functional consequence: retained intron. Not counted in ClinVar's aggregate classification.

Dr. Peter K. Rogan Lab, Western University
No classification provided (evidence only). Condition: Lung cancer. Review status: no classification provided. Collection method: in vitro. Allele origin: not applicable. Functional consequence: retained intron. Not counted in ClinVar's aggregate classification.